The following is an entry in ClinVar:

ClinVar aggregate classification (germline): Uncertain significance. Review status: criteria provided, multiple submitters, no conflicts (2 of 4 stars). 2 submissions from 2 submitters: Uncertain significance (2). Last evaluated 2025-12-29.

Conditions:
Hereditary cancer-predisposing syndrome. Also called: Tumor predisposition; Hereditary Cancer Syndrome; Hereditary neoplastic syndrome; Neoplastic Syndromes, Hereditary. Identifiers: Orphanet 140162, MedGen C0027672, MeSH D009386, MONDO:0015356.

Allele frequency attached by ClinVar (database versions not stated): TOPMed below 0.00001.

Submissions (2):

Ambry Genetics
Classification: Uncertain significance for Hereditary cancer-predisposing syndrome. Last evaluated: 2025-12-29. Review status: criteria provided, single submitter. Criteria: Ambry Variant Classification Scheme 2023. Collection method: clinical testing. Allele origin: germline.
Comment: The p.K716E variant (also known as c.2146A>G), located in coding exon 18 of the EGFR gene, results from an A to G substitution at nucleotide position 2146. The lysine at codon 716 is replaced by glutamic acid, an amino acid with similar properties. This amino acid position is highly conserved in available vertebrate species. In addition, the in silico prediction for this alteration is inconclusive. Based on the available evidence, the clinical significance of this variant remains unclear.

Quest Diagnostics Nichols Institute San Juan Capistrano
Classification: Uncertain significance. Last evaluated: 2023-05-10. Review status: criteria provided, single submitter. Criteria: Quest Diagnostics criteria. Collection method: clinical testing. Allele origin: unknown.
Comment: This variant has not been reported in large, multi-ethnic general populations. In the published literature, the variant has been reported in individuals with lung cancer, but it is not specified if the variant is found in a germline state or a somatic state (PMID: 28676220 (2017), 35274704 (2022)). Analysis of this variant using bioinformatics tools for the prediction of the effect of amino acid changes on protein structure and function yielded predictions that this variant is damaging. Based on the available information, we are unable to determine the clinical significance of this variant.

Literature cited by the submitters: PubMed 35274704 (cited by Quest Diagnostics Nichols Institute San Juan Capistrano); PubMed 28676220 (cited by Quest Diagnostics Nichols Institute San Juan Capistrano).

NM_005228.5(EGFR):c.2146A>G (p.Lys716Glu)

Gene: EGFR (epidermal growth factor receptor; plus strand). Cytogenetic location: 7p11.2.
Variant type: single nucleotide variant.
Coding change: c.2146A>G on transcript NM_005228.5 (MANE Select); coding-DNA position 2146, A replaced by G.
Protein change: p.Lys716Glu; replaces lysine 716 with glutamic acid.
Molecular consequence: missense variant.
Genome position (GRCh38, 1-based): chr7:55,174,005, A>G. VCF-style: chr7-55174005-A-G. GRCh37 (hg19) VCF-style: chr7-55241698-A-G.
Other names: c.2011A>G, p.Lys671Glu (NM_001346897.2, NM_001346899.2); c.2146A>G, p.Lys716Glu (NM_001346898.2); c.1987A>G, p.Lys663Glu (NM_001346900.2); c.1345A>G, p.Lys449Glu (NM_001346941.2); short protein forms K449E, K663E, K671E, K716E.
Identifiers: ClinVar variation 2681884 (VCV002681884.2), dbSNP rs1300698331, ClinGen allele CA367583710.